The following is an entry in ClinVar:

ClinVar aggregate classification (germline): Uncertain significance (1 of 4 stars; one submission).

Conditions:
KBG syndrome (KBGS). Also called: ANKRD11-Related KBG Syndrome. Identifiers: Orphanet 2332, MedGen C0220687, MONDO:0007846, OMIM 148050.

Allele frequency attached by ClinVar (database versions not stated): gnomAD exomes below 0.00001.
gnomAD v4.1: 1 of 1,614,000 alleles (0.000062%); highest among the groups gnomAD compares: Admixed American, 0.0017%; no homozygotes.

Submission:

Labcorp Genetics (formerly Invitae), Labcorp
Classification: Uncertain significance for KBG syndrome. Last evaluated: 2023-10-16. Review status: criteria provided, single submitter. Criteria: Invitae Variant Classification Sherloc (09022015). Collection method: clinical testing. Allele origin: germline.
Comment: This sequence change replaces aspartic acid, which is acidic and polar, with glutamic acid, which is acidic and polar, at codon 1126 of the ANKRD11 protein (p.Asp1126Glu). This variant is present in population databases (no rsID available, gnomAD 0.003%). This variant has not been reported in the literature in individuals affected with ANKRD11-related conditions. Advanced modeling of protein sequence and biophysical properties (such as structural, functional, and spatial information, amino acid conservation, physicochemical variation, residue mobility, and thermodynamic stability) performed at Invitae indicates that this missense variant is not expected to disrupt ANKRD11 protein function. In summary, the available evidence is currently insufficient to determine the role of this variant in disease. Therefore, it has been classified as a Variant of Uncertain Significance.

NM_013275.6(ANKRD11):c.3378C>G (p.Asp1126Glu)

Gene: ANKRD11 (ankyrin repeat domain 11; minus strand). Cytogenetic location: 16q24.3.
Variant type: single nucleotide variant.
Coding change: c.3378C>G on transcript NM_013275.6 (MANE Select); coding-DNA position 3378, C replaced by G.
Protein change: p.Asp1126Glu; replaces aspartic acid 1126 with glutamic acid.
Molecular consequence: missense variant.
Genome position (GRCh38, 1-based): chr16:89,283,164, G>C on the plus strand (C>G on the coding strand, the complement: ANKRD11 is on the minus strand). VCF-style: chr16-89283164-G-C. GRCh37 (hg19) VCF-style: chr16-89349572-G-C.
Other names: c.3378C>G, p.Asp1126Glu (NM_001256182.2, NM_001256183.2); short protein forms D1126E.
Identifiers: ClinVar variation 2873336 (VCV002873336.3), dbSNP rs1271752527, ClinGen allele CA397159933.